The following is an entry in ClinVar:

NM_012123.4(MTO1):c.641G>A (p.Gly214Glu)

Gene: MTO1 (mitochondrial tRNA translation optimization 1; plus strand). Cytogenetic location: 6q13.
Variant type: single nucleotide variant.
Coding change: c.641G>A on transcript NM_012123.4 (MANE Select); coding-DNA position 641, G replaced by A.
Protein change: p.Gly214Glu; replaces glycine 214 with glutamic acid.
Molecular consequence: missense variant.
Genome position (GRCh38, 1-based): chr6:73,473,470, G>A. VCF-style: chr6-73473470-G-A. GRCh37 (hg19) VCF-style: chr6-74183193-G-A.
Other names: c.641G>A, p.Gly214Glu (NM_001123226.2, NM_133645.3); short protein forms G214E.
Identifiers: ClinVar variation 2039799 (VCV002039799.1), dbSNP rs780409492, ClinGen allele CA3889415.

ClinVar aggregate classification (germline): Uncertain significance (1 of 4 stars; one submission).

Conditions:
Mitochondrial hypertrophic cardiomyopathy with lactic acidosis due to MTO1 deficiency. Also called: Combined oxidative phosphorylation deficiency 10; CARDIOMYOPATHY, INFANTILE HYPERTROPHIC MITOCHONDRIAL, AND LACTIC ACIDOSIS. Identifiers: Orphanet 314637, MedGen C4749921, MONDO:0013865, OMIM 614702.

Allele frequency attached by ClinVar (database versions not stated): TOPMed below 0.00001; ExAC 0.00001; gnomAD 0.00001; gnomAD exomes 0.00001.

Submission:

Labcorp Genetics (formerly Invitae), Labcorp
Classification: Uncertain significance for Mitochondrial hypertrophic cardiomyopathy with lactic acidosis due to MTO1 deficiency. Last evaluated: 2022-06-03. Review status: criteria provided, single submitter. Criteria: Invitae Variant Classification Sherloc (09022015). Collection method: clinical testing. Allele origin: germline.
Comment: This sequence change replaces glycine, which is neutral and non-polar, with glutamic acid, which is acidic and polar, at codon 214 of the MTO1 protein (p.Gly214Glu). This variant is present in population databases (rs780409492, gnomAD no frequency). This variant has not been reported in the literature in individuals affected with MTO1-related conditions. Algorithms developed to predict the effect of missense changes on protein structure and function are either unavailable or do not agree on the potential impact of this missense change (SIFT: "Deleterious"; PolyPhen-2: "Probably Damaging"; Align-GVGD: "Class C0"). In summary, the available evidence is currently insufficient to determine the role of this variant in disease. Therefore, it has been classified as a Variant of Uncertain Significance.